The following is an entry in ClinVar:

ClinVar aggregate classification (germline): Uncertain significance. Review status: criteria provided, multiple submitters, no conflicts (2 of 4 stars). 2 submissions from 2 submitters: Uncertain significance (2). Last evaluated 2022-10-05.

Conditions:
Developmental and epileptic encephalopathy, 9 (DEE9). Also called: PCDH19-Related X-Linked Female-Limited Epilepsy with Mental Retardation; Early infantile epileptic encephalopathy 9; EPILEPSY, FEMALE-RESTRICTED, WITH MENTAL RETARDATION; JUBERG-HELLMAN SYNDROME. Identifiers: Orphanet 101039, Orphanet 2076, MedGen C1848137, MONDO:0010246, OMIM 300088. Disease mechanism: loss of function.

Allele frequency attached by ClinVar (database versions not stated): gnomAD exomes 0.00001 and 0.00002; TOPMed 0.00002; gnomAD 0.00003; ExAC 0.00004.
gnomAD v4.1: 16 of 1,198,577 alleles (0.0013%); highest among the groups gnomAD compares: Non-Finnish European, 0.0018%; no homozygotes.

Submissions (2):

GeneDx
Classification: Uncertain significance. Last evaluated: 2022-10-05. Review status: criteria provided, single submitter. Criteria: GeneDx Variant Classification Process June 2021. Collection method: clinical testing. Allele origin: germline. Affected: yes.
Comment: Missense variants in this gene are often considered pathogenic (HGMD); In silico analysis supports that this missense variant has a deleterious effect on protein structure/function; Has not been previously published as pathogenic or benign to our knowledge

Labcorp Genetics (formerly Invitae), Labcorp
Classification: Uncertain significance for Developmental and epileptic encephalopathy, 9. Last evaluated: 2021-08-28. Review status: criteria provided, single submitter. Criteria: Invitae Variant Classification Sherloc (09022015). Collection method: clinical testing. Allele origin: germline.
Comment: This sequence change replaces lysine with methionine at codon 26 of the PCDH19 protein (p.Lys26Met). The lysine residue is highly conserved and there is a moderate physicochemical difference between lysine and methionine. This variant is present in population databases (rs755403368, ExAC 0.008%). This variant has not been reported in the literature in individuals affected with PCDH19-related conditions. Algorithms developed to predict the effect of missense changes on protein structure and function are either unavailable or do not agree on the potential impact of this missense change (SIFT: "Deleterious"; PolyPhen-2: "Probably Damaging"; Align-GVGD: "Class C0"). In summary, the available evidence is currently insufficient to determine the role of this variant in disease. Therefore, it has been classified as a Variant of Uncertain Significance.

NM_001184880.2(PCDH19):c.77A>T (p.Lys26Met)

Gene: PCDH19 (protocadherin 19; minus strand). Cytogenetic location: Xq22.1.
Variant type: single nucleotide variant.
Coding change: c.77A>T on transcript NM_001184880.2 (MANE Select); coding-DNA position 77, A replaced by T.
Protein change: p.Lys26Met; replaces lysine 26 with methionine.
Molecular consequence: missense variant.
Genome position (GRCh38, 1-based): chrX:100,408,521, T>A on the plus strand (A>T on the coding strand, the complement: PCDH19 is on the minus strand). VCF-style: chrX-100408521-T-A. GRCh37 (hg19) VCF-style: chrX-99663519-T-A.
Other names: c.77A>T, p.Lys26Met (NM_001105243.2, NM_020766.3); short protein forms K26M.
Identifiers: ClinVar variation 640625 (VCV000640625.8), dbSNP rs755403368, ClinGen allele CA10469018.
Genomic context (GRCh38, chrX:100,408,521, plus strand): 5'-GCGTCTTTGGCCACGTTGGCAATCACCGTCCCGGCGCGCTGCTCCTCTTCTACCGAGTAC[T>A]TGAGATTAATGAGGGCGGCAGCCTGCGTCCACAGTATGGCCAGCAGCAGCAGCACCGGCA-3'
Protein context (NP_001171809.1, residues 16-36): WTQAAALINL[Lys26Met]YSVEEEQRAG